The following is an entry in ClinVar:

NM_005045.4(RELN):c.8668-8A>C

Genes: RELN (reelin; minus strand), SLC26A5-AS1 (SLC26A5 antisense RNA 1; plus strand). Cytogenetic location: 7q22.1.
Variant type: single nucleotide variant.
Coding change: c.8668-8A>C on transcript NM_005045.4 (MANE Select); 8 bases into the intron before coding-DNA position 8668, A replaced by C.
Molecular consequence: intron variant.
Genome position (GRCh38, 1-based): chr7:103,498,260, T>G on the plus strand (A>C on the coding strand, the complement: RELN is on the minus strand). VCF-style: chr7-103498260-T-G. GRCh37 (hg19) VCF-style: chr7-103138707-T-G.
Other names: c.8668-8A>C (NM_173054.3).
Identifiers: ClinVar variation 668311 (VCV000668311.9), dbSNP rs756973928, ClinGen allele CA4420409.
Genomic context (GRCh38, chr7:103,498,260, plus strand): 5'-ATCCATAAGTCAGGTTTGATTTCTTCACTGTCAAAGCGTTCCTTCAGGAAAGTCTGGAAA[T>G]AAAATAAGCCAGATGTGGTTAAAAAAACAATTTCAGATAACTATGGAATATTTAAGAAAA-3'

ClinVar aggregate classification (germline): Likely benign. Review status: criteria provided, multiple submitters, no conflicts (2 of 4 stars). 2 submissions from 2 submitters: Likely benign (2). Last evaluated 2025-03-01.

Conditions:
Familial temporal lobe epilepsy 7. Identifiers: Orphanet 101046, MedGen C4225327, MONDO:0014639, OMIM 616436.
Norman-Roberts syndrome (LIS2). Also called: Lissencephaly 2 (Norman-Roberts type). Identifiers: Orphanet 89844, MedGen C0796089, MONDO:0009760, OMIM 257320.

Allele frequency attached by ClinVar (database versions not stated): ExAC 0.00001; TOPMed 0.00001; gnomAD 0.00002.
gnomAD v4.1: 27 of 1,612,396 alleles (0.0017%); highest among the groups gnomAD compares: Non-Finnish European, 0.0022%; no homozygotes.

Submissions (2):

Labcorp Genetics (formerly Invitae), Labcorp
Classification: Likely benign for Familial temporal lobe epilepsy 7; Norman-Roberts syndrome. Last evaluated: 2025-03-01. Review status: criteria provided, single submitter. Criteria: Invitae Variant Classification Sherloc (09022015). Collection method: clinical testing. Allele origin: germline.

GeneDx
Classification: Likely benign. Last evaluated: 2018-05-23. Review status: criteria provided, single submitter. Criteria: GeneDx Variant Classification (06012015). Collection method: clinical testing. Allele origin: germline. Affected: yes.
Comment: This variant is considered likely benign or benign based on one or more of the following criteria: it is a conservative change, it occurs at a poorly conserved position in the protein, it is predicted to be benign by multiple in silico algorithms, and/or has population frequency not consistent with disease.